The following is an entry in ClinVar:

ClinVar aggregate classification (germline): Uncertain significance (1 of 4 stars; one submission).

Conditions:
Leber congenital amaurosis 4 (LCA4). Identifiers: MedGen C1858386, MONDO:0011458, OMIM 604393.

Submission:

Labcorp Genetics (formerly Invitae), Labcorp
Classification: Uncertain significance for Leber congenital amaurosis 4. Last evaluated: 2021-10-14. Review status: criteria provided, single submitter. Criteria: Invitae Variant Classification Sherloc (09022015). Collection method: clinical testing. Allele origin: germline.
Comment: This variant is not present in population databases (ExAC no frequency). This sequence change replaces serine with threonine at codon 328 of the AIPL1 protein (p.Ser328Thr). The serine residue is weakly conserved and there is a small physicochemical difference between serine and threonine. This variant has not been reported in the literature in individuals affected with AIPL1-related conditions. In summary, the available evidence is currently insufficient to determine the role of this variant in disease. Therefore, it has been classified as a Variant of Uncertain Significance. Algorithms developed to predict the effect of missense changes on protein structure and function (SIFT, PolyPhen-2, Align-GVGD) all suggest that this variant is likely to be tolerated.

NM_014336.5(AIPL1):c.983G>C (p.Ser328Thr)

Gene: AIPL1 (AIP like 1 HSP90 co-chaperone; minus strand). Cytogenetic location: 17p13.2.
Variant type: single nucleotide variant.
Coding change: c.983G>C on transcript NM_014336.5 (MANE Select); coding-DNA position 983, G replaced by C.
Protein change: p.Ser328Thr; replaces serine 328 with threonine.
Molecular consequence: missense variant. On other transcripts: 3 prime UTR variant (1).
Genome position (GRCh38, 1-based): chr17:6,425,632, C>G on the plus strand (G>C on the coding strand, the complement: AIPL1 is on the minus strand). VCF-style: chr17-6425632-C-G. GRCh37 (hg19) VCF-style: chr17-6328952-C-G.
Other names: c.794G>C, p.Ser265Thr (NM_001033054.3); c.803G>C, p.Ser268Thr (NM_001033055.3); c.947G>C, p.Ser316Thr (NM_001285399.3); c.917G>C, p.Ser306Thr (NM_001285400.3); c.911G>C, p.Ser304Thr (NM_001285401.3); c.866G>C, p.Ser289Thr (NM_001285402.2); c.*954G>C (NM_001285403.4); short protein forms S289T, S268T, S306T, S265T, S316T, S328T, S304T.
Identifiers: ClinVar variation 1487205 (VCV001487205.6), dbSNP rs1361890271, ClinGen allele CA397394491.
Genomic context (GRCh38, chr17:6,425,632, plus strand): 5'-GTGGATGACTGTGCGGGTGGCTCTGTGGGTGGCTCTGCGGGAGGCTGCGTGGCACCCTGG[C>G]TCAGCATGTTCCGGCAGCGCAGCCGCTCCTCCTCCTGCTTCTCCGCCATGCGGTTCTCCA-3'
Protein context (NP_055151.3, residues 318-338): EERLRCRNML[Ser328Thr]QGATQPPAEP